The following is an entry in ClinVar:

NM_002074.5(GNB1):c.211G>A (p.Val71Ile)

Gene: GNB1 (G protein subunit beta 1; minus strand). Cytogenetic location: 1p36.33.
Variant type: single nucleotide variant.
Coding change: c.211G>A on transcript NM_002074.5 (MANE Select); coding-DNA position 211, G replaced by A.
Protein change: p.Val71Ile; replaces valine 71 with isoleucine.
Molecular consequence: missense variant. On other transcripts: 5 prime UTR variant (1).
Genome position (GRCh38, 1-based): chr1:1,806,531, C>T on the plus strand (G>A on the coding strand, the complement: GNB1 is on the minus strand). VCF-style: chr1-1806531-C-T. GRCh37 (hg19) VCF-style: chr1-1737970-C-T.
Other names: c.-90G>A (NM_001282538.2); c.211G>A, p.Val71Ile (NM_001282539.2); short protein forms V71I.
Identifiers: ClinVar variation 3665539 (VCV003665539.2).

ClinVar aggregate classification (germline): Uncertain significance. Review status: criteria provided, multiple submitters, no conflicts (2 of 4 stars). 2 submissions from 2 submitters: Uncertain significance (2). Last evaluated 2025-10-10.

Submissions (2):

Labcorp Genetics (formerly Invitae), Labcorp
Classification: Uncertain significance. Last evaluated: 2025-10-10. Review status: criteria provided, single submitter. Criteria: Invitae Variant Classification Sherloc (09022015). Collection method: clinical testing. Allele origin: germline.
Comment: This sequence change replaces valine, which is neutral and non-polar, with isoleucine, which is neutral and non-polar, at codon 71 of the GNB1 protein (p.Val71Ile). This variant is not present in population databases (gnomAD no frequency). This variant has not been reported in the literature in individuals affected with GNB1-related conditions. ClinVar contains an entry for this variant (Variation ID: 3665539). Invitae Evidence Modeling of protein sequence and biophysical properties (such as structural, functional, and spatial information, amino acid conservation, physicochemical variation, residue mobility, and thermodynamic stability) indicates that this missense variant is not expected to disrupt GNB1 protein function with a negative predictive value of 80%. In summary, the available evidence is currently insufficient to determine the role of this variant in disease. Therefore, it has been classified as a Variant of Uncertain Significance.

GeneDx
Classification: Uncertain significance. Last evaluated: 2024-08-09. Review status: criteria provided, single submitter. Criteria: GeneDx Variant Classification Process June 2021. Collection method: clinical testing. Allele origin: germline. Affected: yes.
Comment: Not observed at significant frequency in large population cohorts (gnomAD); In silico analysis indicates that this missense variant does not alter protein structure/function; Has not been previously published as pathogenic or benign to our knowledge